The following is an entry in ClinVar:

NM_001037.5(SCN1B):c.448+114C>G

Gene: SCN1B (sodium voltage-gated channel beta subunit 1; plus strand). Cytogenetic location: 19q13.11.
Variant type: single nucleotide variant.
Coding change: c.448+114C>G on transcript NM_001037.5 (MANE Select); 114 bases into the intron after coding-DNA position 448, C replaced by G.
Molecular consequence: intron variant. On other transcripts: missense variant (1).
Genome position (GRCh38, 1-based): chr19:35,033,853, C>G. VCF-style: chr19-35033853-C-G. GRCh37 (hg19) VCF-style: chr19-35524757-C-G.
Other names: c.562C>G, p.Pro188Ala (NM_199037.5); c.349+114C>G (NM_001321605.2); short protein forms P188A.
Identifiers: ClinVar variation 1062629 (VCV001062629.40), dbSNP rs1159393836, ClinGen allele CA405329312.

ClinVar aggregate classification (germline): Conflicting classifications of pathogenicity. Review status: criteria provided, conflicting classifications (1 of 4 stars). 4 submissions from 4 submitters: Uncertain significance (1); Likely benign (3). Last evaluated 2025-07-14.

Conditions:
Brugada syndrome 5 (BRGDA5). Identifiers: Orphanet 130, Orphanet 871, MedGen C2748541, MONDO:0013015, OMIM 612838.

Allele frequency attached by ClinVar (database versions not stated): gnomAD exomes below 0.00001 and 0.00001; TOPMed 0.00002; gnomAD 0.00011 and 0.00012.

Submissions (4):

Labcorp Genetics (formerly Invitae), Labcorp
Classification: Uncertain significance for Brugada syndrome 5. Last evaluated: 2025-07-14. Review status: criteria provided, single submitter. Criteria: Invitae Variant Classification Sherloc (09022015). Collection method: clinical testing. Allele origin: germline.
Comment: This sequence change replaces proline, which is neutral and non-polar, with alanine, which is neutral and non-polar, at codon 188 of the SCN1B protein (p.Pro188Ala). This variant is present in population databases (no rsID available, gnomAD 0.02%). This variant has not been reported in the literature in individuals affected with SCN1B-related conditions. ClinVar contains an entry for this variant (Variation ID: 1062629). An algorithm developed to predict the effect of missense changes on protein structure and function (PolyPhen-2) suggests that this variant is likely to be tolerated. In summary, the available evidence is currently insufficient to determine the role of this variant in disease. Therefore, it has been classified as a Variant of Uncertain Significance.

CeGaT Center for Human Genetics Tuebingen
Classification: Likely benign. Last evaluated: 2025-05-01. Review status: criteria provided, single submitter. Criteria: CeGaT Center For Human Genetics Tuebingen Variant Classification Criteria Version 2. Collection method: clinical testing. Allele origin: germline. Affected: yes. Observed: 2 variant alleles.
Comment: SCN1B: BP4

Laboratory of Genetics, Children's Clinical University Hospital Latvia
Classification: Likely benign. Last evaluated: 2025-02-16. Review status: criteria provided, single submitter. Criteria: ACMG Guidelines, 2015. Collection method: clinical testing. Allele origin: germline. Affected: yes.

Blueprint Genetics
Classification: Likely benign. Last evaluated: 2022-04-25. Review status: criteria provided, single submitter. Criteria: ACMG Guidelines, 2015. Collection method: clinical testing. Allele origin: germline.